The following is an entry in ClinVar:

NM_001182.5(ALDH7A1):c.553G>A (p.Val185Ile)

Gene: ALDH7A1 (aldehyde dehydrogenase 7 family member A1; minus strand). Cytogenetic location: 5q23.2.
Variant type: single nucleotide variant.
Coding change: c.553G>A on transcript NM_001182.5 (MANE Select); coding-DNA position 553, G replaced by A.
Protein change: p.Val185Ile; replaces valine 185 with isoleucine.
Molecular consequence: missense variant.
Genome position (GRCh38, 1-based): chr5:126,577,176, C>T on the plus strand (G>A on the coding strand, the complement: ALDH7A1 is on the minus strand). VCF-style: chr5-126577176-C-T. GRCh37 (hg19) VCF-style: chr5-125912868-C-T.
Other names: p.V185I:GTA>ATA; c.469G>A, p.Val157Ile (NM_001201377.2); c.553G>A, p.Val185Ile (NM_001202404.2); short protein forms V185I, V157I.
Identifiers: ClinVar variation 204830 (VCV000204830.19), dbSNP rs61757685, ClinGen allele CA313168.

ClinVar aggregate classification (germline): Conflicting classifications of pathogenicity. Review status: criteria provided, conflicting classifications (1 of 4 stars). 4 submissions from 4 submitters: Uncertain significance (2); Likely benign (1). 1 of the submissions does not count toward it. Last evaluated 2026-01-24.

Conditions:
ALDH7A1-related disorder. Also called: ALDH7A1-related condition.
Inborn genetic diseases. Identifiers: MedGen C0950123, MeSH D030342.
Pyridoxine-dependent epilepsy (EPEO4). Also called: Pyridoxine-Dependent Seizures; Pyridoxine-Dependent Epilepsy - ALDH7A1; PYRIDOXINE DEPENDENCY WITH SEIZURES; EPILEPSY, EARLY-ONSET, 4, VITAMIN B6-DEPENDENT. Identifiers: Orphanet 3006, MedGen C1849508, MONDO:0009945, OMIM 266100. Disease mechanism: loss of function.

Allele frequency attached by ClinVar (database versions not stated): ESP Exome Variant Server 0.00015; gnomAD 0.00015 and 0.00016; TOPMed 0.00021; gnomAD exomes 0.00013; ExAC 0.00010.
gnomAD v4.1: 425 of 1,613,992 alleles (0.026%); highest among the groups gnomAD compares: Non-Finnish European, 0.033%; no homozygotes.

Submissions (4):

Labcorp Genetics (formerly Invitae), Labcorp
Classification: Likely benign for Pyridoxine-dependent epilepsy. Last evaluated: 2026-01-24. Review status: criteria provided, single submitter. Criteria: Invitae Variant Classification Sherloc (09022015). Collection method: clinical testing. Allele origin: germline.

Ambry Genetics
Classification: Uncertain significance for Inborn genetic diseases. Last evaluated: 2025-05-13. Review status: criteria provided, single submitter. Criteria: Ambry Variant Classification Scheme 2023. Collection method: clinical testing. Allele origin: germline.

GeneDx
Classification: Uncertain significance. Last evaluated: 2025-02-21. Review status: criteria provided, single submitter. Criteria: GeneDx Variant Classification Process June 2021. Collection method: clinical testing. Allele origin: germline. Affected: yes.
Comment: In silico analysis indicates that this missense variant does not alter protein structure/function; Has not been previously published as pathogenic or benign to our knowledge

PreventionGenetics, part of Exact Sciences
Classification: Uncertain significance for ALDH7A1-related condition. Last evaluated: 2024-06-18. Review status: no assertion criteria provided. Collection method: clinical testing. Allele origin: germline. Not counted in ClinVar's aggregate classification.
Comment: The ALDH7A1 c.553G>A variant is predicted to result in the amino acid substitution p.Val185Ile. To our knowledge, this variant has not been reported in the literature. This variant is reported in 0.023% of alleles in individuals of Latino descent in gnomAD. At this time, the clinical significance of this variant is uncertain due to the absence of conclusive functional and genetic evidence.